The following is an entry in ClinVar:

ClinVar aggregate classification (germline): Benign/Likely benign. Review status: criteria provided, multiple submitters, no conflicts (2 of 4 stars). 2 submissions from 2 submitters: Benign (1); Likely benign (1). Last evaluated 2025-05-13.

Conditions:
Tuberous sclerosis 2 (TSC2). Identifiers: Orphanet 805, MedGen C1860707, MONDO:0013199, OMIM 613254.

Allele frequency attached by ClinVar (database versions not stated): gnomAD exomes below 0.00001; TOPMed below 0.00001.
gnomAD v4.1: 2 of 1,613,766 alleles (0.00012%); highest among the groups gnomAD compares: Non-Finnish European, 0.00017%; no homozygotes.

Submissions (2):

Myriad Genetics, Inc.
Classification: Benign for Tuberous sclerosis 2. Last evaluated: 2025-05-13. Review status: criteria provided, single submitter. Criteria: Myriad Autosomal Dominant, Autosomal Recessive and X-Linked Classification Criteria (2023). Collection method: clinical testing. Allele origin: unknown.
Comment: This variant is considered benign. This variant is a silent/synonymous amino acid change and it is not expected to impact splicing.

Labcorp Genetics (formerly Invitae), Labcorp
Classification: Likely benign for Tuberous sclerosis 2. Last evaluated: 2024-09-01. Review status: criteria provided, single submitter. Criteria: Invitae Variant Classification Sherloc (09022015). Collection method: clinical testing. Allele origin: germline.

NM_000548.5(TSC2):c.1086G>C (p.Leu362=)

Gene: TSC2 (TSC complex subunit 2; plus strand). Cytogenetic location: 16p13.3.
Variant type: single nucleotide variant.
Coding change: c.1086G>C on transcript NM_000548.5 (MANE Select); coding-DNA position 1086, G replaced by C.
Protein change: p.Leu362=; no amino-acid change (leucine 362 retained).
Molecular consequence: synonymous variant.
Genome position (GRCh38, 1-based): chr16:2,060,780, G>C. VCF-style: chr16-2060780-G-C. GRCh37 (hg19) VCF-style: chr16-2110781-G-C.
Other names: c.1086G>C, p.Leu362= (NM_001077183.3, NM_001114382.3, NM_001363528.2 and 3 more transcripts); c.975G>C, p.Leu325= (NM_001318827.2); c.939G>C, p.Leu313= (NM_001318829.2); c.486G>C, p.Leu162= (NM_001318831.2); c.1119G>C, p.Leu373= (NM_001318832.2).
Identifiers: ClinVar variation 1530370 (VCV001530370.9), dbSNP rs1416323572, ClinGen allele CA492961075.